The following is an entry in ClinVar:

NM_001042492.3(NF1):c.7781G>T (p.Arg2594Leu)

Gene: NF1 (neurofibromin 1; plus strand). Cytogenetic location: 17q11.2.
Variant type: single nucleotide variant.
Coding change: c.7781G>T on transcript NM_001042492.3 (MANE Select); coding-DNA position 7781, G replaced by T.
Protein change: p.Arg2594Leu; replaces arginine 2594 with leucine.
Molecular consequence: missense variant.
Genome position (GRCh38, 1-based): chr17:31,357,002, G>T. VCF-style: chr17-31357002-G-T. GRCh37 (hg19) VCF-style: chr17-29684020-G-T.
Other names: c.7718G>T, p.Arg2573Leu (NM_000267.4); short protein forms R2594L, R2573L.
Identifiers: ClinVar variation 827218 (VCV000827218.17), dbSNP rs774781617, ClinGen allele CA8487664.

ClinVar aggregate classification (germline): Conflicting classifications of pathogenicity. Review status: criteria provided, conflicting classifications (1 of 4 stars). 8 submissions from 8 submitters: Uncertain significance (6); Likely benign (2). Last evaluated 2025-08-30.

Conditions:
Juvenile myelomonocytic leukemia (JMML). Also called: LEUKEMIA, JUVENILE MYELOMONOCYTIC, SOMATIC. Identifiers: Orphanet 86834, MedGen C0349639, MONDO:0011908, OMIM 607785, HP:0012209.
Neurofibromatosis, familial spinal (FSNF). Identifiers: Orphanet 636, MedGen C1834235, MONDO:0008078, OMIM 162210. Disease mechanism: loss of function.
Neurofibromatosis, type 1 (NF1). Also called: VON RECKLINGHAUSEN DISEASE; Peripheral type neurofibromatosis; NEUROFIBROMATOSIS, TYPE I, SOMATIC; Neurofibromatosis, type I. Identifiers: Orphanet 636, MedGen C0027831, MONDO:0018975, OMIM 162200. Disease mechanism: loss of function.
Neurofibromatosis-Noonan syndrome (NFNS). Also called: NEUROFIBROMATOSIS WITH NOONAN PHENOTYPE. Identifiers: Orphanet 638, MedGen C2931482, MONDO:0011035, OMIM 601321. Disease mechanism: loss of function.
Café-au-lait macules with pulmonary stenosis (WTSN). Also called: PULMONIC STENOSIS WITH CAFE-AU-LAIT SPOTS. Identifiers: MedGen C0553586, MONDO:0008672, OMIM 193520.
Cardiovascular phenotype. Identifiers: MedGen CN230736.
Hereditary cancer-predisposing syndrome. Also called: Neoplastic Syndromes, Hereditary; Tumor predisposition; Hereditary Cancer Syndrome; Hereditary neoplastic syndrome. Identifiers: Orphanet 140162, MedGen C0027672, MeSH D009386, MONDO:0015356.

Allele frequency attached by ClinVar (database versions not stated): gnomAD exomes below 0.00001; ExAC 0.00002.
gnomAD v4.1: 6 of 1,613,892 alleles (0.00037%); highest among the groups gnomAD compares: Non-Finnish European, 0.00051%; no homozygotes.

Submissions (8):

Labcorp Genetics (formerly Invitae), Labcorp
Classification: Likely benign for Neurofibromatosis, type 1. Last evaluated: 2025-08-30. Review status: criteria provided, single submitter. Criteria: Invitae Variant Classification Sherloc (09022015). Collection method: clinical testing. Allele origin: germline.

Institute for Biomarker Research, Medical Diagnostic Laboratories, L.L.C.
Classification: Uncertain significance for Hereditary cancer-predisposing syndrome. Last evaluated: 2025-06-16. Review status: criteria provided, single submitter. Criteria: ACMG Guidelines, 2015. Collection method: clinical testing. Allele origin: germline.
Comment: The missense variant NM_000267.3(NF1):c.7718G>T (p.Arg2573Leu) has not been reported previously as a pathogenic variant, to our knowledge. There is a moderate physicochemical difference between arginine and leucine. The gene NF1 has a low rate of benign missense variation as indicated by a high missense variants Z-Score of 8.41. The p.Arg2573Leu missense variant is predicted to be damaging by both SIFT and PolyPhen2. The nucleotide c.7718 in NF1 is predicted conserved by GERP++ and PhyloP across 100 vertebrates. For these reasons, this variant has been classified as Uncertain Significance.

Women's Health and Genetics/Laboratory Corporation of America, LabCorp
Classification: Uncertain significance. Last evaluated: 2024-12-20. Review status: criteria provided, single submitter. Criteria: LabCorp Variant Classification Summary - May 2015. Collection method: clinical testing. Allele origin: germline.
Comment: Variant summary: NF1 c.7718G>T (p.Arg2573Leu) results in a non-conservative amino acid change in the encoded protein sequence. Three of five in-silico tools predict a damaging effect of the variant on protein function. The variant allele was found at a frequency of 4e-06 in 251104 control chromosomes. The available data on variant occurrences in the general population are insufficient to allow any conclusion about variant significance. To our knowledge, no occurrence of c.7718G>T in individuals affected with Neurofibromatosis Type 1 and no experimental evidence demonstrating its impact on protein function have been reported. ClinVar contains an entry for this variant (Variation ID: 827218). Based on the evidence outlined above, the variant was classified as uncertain significance.

Blueprint Genetics
Classification: Uncertain significance. Last evaluated: 2024-10-15. Review status: criteria provided, single submitter. Criteria: ACMG Guidelines, 2015. Collection method: clinical testing. Allele origin: germline.

Baylor Genetics
Classification: Uncertain significance for Juvenile myelomonocytic leukemia. Last evaluated: 2023-10-07. Review status: criteria provided, single submitter. Criteria: ACMG Guidelines, 2015. Collection method: clinical testing. Allele origin: unknown.

Ambry Genetics
Classification: Likely benign for Cardiovascular phenotype; Hereditary cancer-predisposing syndrome. Last evaluated: 2022-10-24. Review status: criteria provided, single submitter. Criteria: Ambry Variant Classification Scheme 2023. Collection method: clinical testing. Allele origin: germline.

Genome-Nilou Lab
Classification: Uncertain significance for Neurofibromatosis, type 1. Last evaluated: 2022-03-15. Review status: criteria provided, single submitter. Criteria: ACMG Guidelines, 2015. Collection method: clinical testing. Allele origin: germline. Affected: no.

Fulgent Genetics
Classification: Uncertain significance for Neurofibromatosis, type 1; Neurofibromatosis, familial spinal; Café-au-lait macules with pulmonary stenosis; Neurofibromatosis-Noonan syndrome; Juvenile myelomonocytic leukemia. Last evaluated: 2021-08-04. Review status: criteria provided, single submitter. Criteria: ACMG Guidelines, 2015. Collection method: clinical testing. Allele origin: unknown.

Literature cited by the submitters: PubMed 10678181 (cited by Women's Health and Genetics/Laboratory Corporation of America, LabCorp); PubMed 23460398 (cited by Women's Health and Genetics/Laboratory Corporation of America, LabCorp); PubMed 29872168 (cited by Women's Health and Genetics/Laboratory Corporation of America, LabCorp); PubMed 27069254 (cited by Women's Health and Genetics/Laboratory Corporation of America, LabCorp).